The following is an entry in ClinVar:

NM_000089.4(COL1A2):c.520C>T (p.Pro174Ser)

Gene: COL1A2 (collagen type I alpha 2 chain; plus strand). Cytogenetic location: 7q21.3.
Variant type: single nucleotide variant.
Coding change: c.520C>T on transcript NM_000089.4 (MANE Select); coding-DNA position 520, C replaced by T.
Protein change: p.Pro174Ser; replaces proline 174 with serine.
Molecular consequence: missense variant.
Genome position (GRCh38, 1-based): chr7:94,405,706, C>T. VCF-style: chr7-94405706-C-T. GRCh37 (hg19) VCF-style: chr7-94035018-C-T.
Other names: short protein forms P174S.
Identifiers: ClinVar variation 2417007 (VCV002417007.9), dbSNP rs1791780960, ClinGen allele CA368219947.

ClinVar aggregate classification (germline): Uncertain significance (1 of 4 stars; one submission).

Conditions:
Ehlers-Danlos syndrome, classic type, 1 (EDSCL1). Also called: EDS I; EHLERS-DANLOS SYNDROME, GRAVIS TYPE; EHLERS-DANLOS SYNDROME, SEVERE CLASSIC TYPE; Ehlers-Danlos syndrome, type 1; Ehlers-Danlos Syndrome, Classic Type, COL5A1-Related. Identifiers: MedGen C0268335, MONDO:0019567, OMIM 130000.
Osteogenesis imperfecta type I (OI1). Also called: Classic Non-deforming Osteogenesis Imperfecta with Blue Sclerae; OI, TYPE I; OSTEOGENESIS IMPERFECTA TARDA; OSTEOGENESIS IMPERFECTA WITH BLUE SCLERAE; Osteogenesis imperfecta type 1; Lobstein's Disease. Identifiers: Orphanet 216796, Orphanet 666, MedGen C0023931, MONDO:0008146, OMIM 166200. Disease mechanism: loss of function.

Allele frequency attached by ClinVar (database versions not stated): gnomAD exomes below 0.00001; TOPMed below 0.00001.
gnomAD v4.1: 1 of 1,613,630 alleles (0.000062%); highest among the groups gnomAD compares: South Asian, 0.0011%; no homozygotes.

Submission:

Labcorp Genetics (formerly Invitae), Labcorp
Classification: Uncertain significance for Osteogenesis imperfecta type I; Ehlers-Danlos syndrome, classic type, 1. Last evaluated: 2022-03-31. Review status: criteria provided, single submitter. Criteria: Invitae Variant Classification Sherloc (09022015). Collection method: clinical testing. Allele origin: germline.
Comment: In summary, the available evidence is currently insufficient to determine the role of this variant in disease. Therefore, it has been classified as a Variant of Uncertain Significance. Advanced modeling of protein sequence and biophysical properties (such as structural, functional, and spatial information, amino acid conservation, physicochemical variation, residue mobility, and thermodynamic stability) performed at Invitae indicates that this missense variant is not expected to disrupt COL1A2 protein function. This variant has not been reported in the literature in individuals affected with COL1A2-related conditions. This variant is not present in population databases (gnomAD no frequency). This sequence change replaces proline, which is neutral and non-polar, with serine, which is neutral and polar, at codon 174 of the COL1A2 protein (p.Pro174Ser).